The following is an entry in ClinVar:

ClinVar aggregate classification (germline): Uncertain significance (1 of 4 stars; one submission).

Conditions:
Spermatogenic failure 18. Identifiers: MedGen C4539783, MONDO:0054615, OMIM 617576.
Ciliary dyskinesia, primary, 37 (CILD37). Also called: CILIARY DYSKINESIA, PRIMARY, 37, WITH OR WITHOUT SITUS INVERSUS. Identifiers: MedGen C4539798, MONDO:0033204, OMIM 617577.

Submission:

Labcorp Genetics (formerly Invitae), Labcorp
Classification: Uncertain significance for Ciliary dyskinesia, primary, 37; Spermatogenic failure 18. Last evaluated: 2022-02-20. Review status: criteria provided, single submitter. Criteria: Invitae Variant Classification Sherloc (09022015). Collection method: clinical testing. Allele origin: germline.
Comment: In summary, the available evidence is currently insufficient to determine the role of this variant in disease. Therefore, it has been classified as a Variant of Uncertain Significance. Algorithms developed to predict the effect of missense changes on protein structure and function are either unavailable or do not agree on the potential impact of this missense change (SIFT: "Deleterious"; PolyPhen-2: "Probably Damaging"; Align-GVGD: "Class C0"). This variant has not been reported in the literature in individuals affected with DNAH1-related conditions. This variant is not present in population databases (gnomAD no frequency). This sequence change replaces glutamic acid, which is acidic and polar, with lysine, which is basic and polar, at codon 3219 of the DNAH1 protein (p.Glu3219Lys).

NM_015512.5(DNAH1):c.9655G>A (p.Glu3219Lys)

Gene: DNAH1 (dynein axonemal heavy chain 1; plus strand). Cytogenetic location: 3p21.1.
Variant type: single nucleotide variant.
Coding change: c.9655G>A on transcript NM_015512.5 (MANE Select); coding-DNA position 9655, G replaced by A.
Protein change: p.Glu3219Lys; replaces glutamic acid 3219 with lysine.
Molecular consequence: missense variant.
Genome position (GRCh38, 1-based): chr3:52,390,968, G>A. VCF-style: chr3-52390968-G-A. GRCh37 (hg19) VCF-style: chr3-52424984-G-A.
Other names: short protein forms E3219K.
Identifiers: ClinVar variation 2100252 (VCV002100252.4), dbSNP rs2471282733, ClinGen allele CA353197437.
Genomic context (GRCh38, chr3:52,390,968, plus strand): 5'-CCCAGTCCAGTGCCTGGCTCTCCACAGATCGCTGGCCTCCCCAACGACACACTGTCAGTG[G>A]AGAACGGGGTCATCAACCAGTTTTCCCAGCGCTGGACCCACTTCATTGACCCTCAGAGCC-3'
Protein context (NP_056327.4, residues 3209-3229): AGLPNDTLSV[Glu3219Lys]NGVINQFSQR